The following is an entry in ClinVar:

NM_000352.6(ABCC8):c.371A>T (p.Tyr124Phe)

Gene: ABCC8 (ATP binding cassette subfamily C member 8; minus strand). Cytogenetic location: 11p15.1.
Variant type: single nucleotide variant.
Coding change: c.371A>T on transcript NM_000352.6 (MANE Select); coding-DNA position 371, A replaced by T.
Protein change: p.Tyr124Phe; replaces tyrosine 124 with phenylalanine.
Molecular consequence: missense variant. On other transcripts: non-coding transcript variant (1).
Genome position (GRCh38, 1-based): chr11:17,470,142, T>A on the plus strand (A>T on the coding strand, the complement: ABCC8 is on the minus strand). VCF-style: chr11-17470142-T-A. GRCh37 (hg19) VCF-style: chr11-17491689-T-A.
Other names: c.371A>T, p.Tyr124Phe (NM_001287174.3, NM_001351295.2, NM_001351296.2 and 1 more transcripts); short protein forms Y124F.
Identifiers: ClinVar variation 1336492 (VCV001336492.6), dbSNP rs1278920115, ClinGen allele CA379784070.

ClinVar aggregate classification (germline): Uncertain significance. Review status: criteria provided, multiple submitters, no conflicts (2 of 4 stars). 4 submissions from 4 submitters: Uncertain significance (4). Last evaluated 2026-05-01.

Conditions:
Leucine-induced hypoglycemia (LIH). Also called: LEUCINE-SENSITIVE HYPOGLYCEMIA OF INFANCY. Identifiers: MedGen C0271714, MONDO:0009415, OMIM 240800.
Diabetes mellitus, permanent neonatal 3. Also called: ABCC8-Related Permanent Neonatal Diabetes Mellitus. Identifiers: MedGen C5394303, MONDO:0030088, OMIM 618857.
Hyperinsulinemic hypoglycemia, familial, 1 (HHF1). Also called: Persistent hyperinsulinemic hypoglycemia of infancy; HYPERINSULINISM, FAMILIAL, WITH PANCREATIC NESIDIOBLASTOSIS; HYPOGLYCEMIA, HYPERINSULINEMIC, OF INFANCY; NESIDIOBLASTOSIS OF PANCREAS; Persistent Hyperinsulinemia Hypoglycemia of Infancy. Identifiers: Orphanet 276575, Orphanet 276598, MedGen C2931832, MONDO:0009734, OMIM 256450.
Diabetes mellitus, transient neonatal, 2 (TNDM2). Identifiers: Orphanet 99886, MedGen C1835887, MONDO:0012480, OMIM 610374. Disease mechanism: loss of function.
Type 2 diabetes mellitus. Also called: Type II diabetes mellitus. Identifiers: MedGen C0011860, MeSH D003924, MONDO:0005148, OMIM 125853, HP:0005978.
ABCC8-related disorder.

Allele frequency attached by ClinVar (database versions not stated): TOPMed below 0.00001; gnomAD 0.00001.
gnomAD v4.1: 2 of 1,614,016 alleles (0.00012%); highest among the groups gnomAD compares: Non-Finnish European, 0.00017%; no homozygotes.

Submissions (4):

Myriad Genetics, Inc.
Classification: Uncertain significance for Hyperinsulinemic hypoglycemia, familial, 1. Last evaluated: 2026-05-01. Review status: criteria provided, single submitter. Criteria: Myriad Autosomal Dominant, Autosomal Recessive and X-Linked Classification Criteria (2023). Collection method: clinical testing. Allele origin: unknown.
Comment: NM_000352.3(ABCC8):c.371A>T(Y124F) is a missense variant classified as a variant of uncertain significance in the context of familial hyperinsulinism, ABCC8-related. Y124F has been observed in a case with relevant disease (PMID: 41022322). Relevant functional assessments of this variant are available in the literature (PMID: 41022322). Y124F has been observed in referenced population frequency databases. In summary, there is insufficient evidence to classify NM_000352.3(ABCC8):c.371A>T(Y124F) as pathogenic or benign. Please note: this variant was assessed in the context of healthy population screening.

PreventionGenetics, part of Exact Sciences
Classification: Uncertain significance for ABCC8-related condition. Last evaluated: 2026-01-25. Review status: criteria provided, single submitter. Criteria: ACMG Guidelines, 2015. Collection method: clinical testing. Allele origin: germline.
Comment: The ABCC8 c.371A>T variant is predicted to result in the amino acid substitution p.Tyr124Phe. To our knowledge, this variant has not been reported in the literature. This variant is reported in 0.0065% of alleles in individuals of European (Non-Finnish) descent in gnomAD. At this time, the clinical significance of this variant is uncertain due to the absence of conclusive functional and genetic evidence.

Fulgent Genetics
Classification: Uncertain significance for Type 2 diabetes mellitus; Leucine-induced hypoglycemia; Hyperinsulinemic hypoglycemia, familial, 1; Diabetes mellitus, transient neonatal, 2; Diabetes mellitus, permanent neonatal 3. Last evaluated: 2021-12-15. Review status: criteria provided, single submitter. Criteria: ACMG Guidelines, 2015. Collection method: clinical testing. Allele origin: unknown.

Genetic Services Laboratory, University of Chicago
Classification: Uncertain significance. Last evaluated: 2018-01-17. Review status: criteria provided, single submitter. Criteria: ACMG Guidelines, 2015. Collection method: clinical testing. Allele origin: germline. Affected: no.

Literature cited by the submitters: PubMed 41022322 (cited by Myriad Genetics, Inc.).